The following is an entry in ClinVar:

ClinVar aggregate classification (germline): Uncertain significance (1 of 4 stars; one submission).

Submission:

GeneDx
Classification: Uncertain significance. Last evaluated: 2026-02-20. Review status: criteria provided, single submitter. Criteria: GeneDx Variant Classification Process June 2021. Collection method: clinical testing. Allele origin: germline.
Comment: Frameshift variant predicted to result in protein truncation or nonsense mediated decay in a gene or region of a gene for which loss of function is not a well-established mechanism of disease; Not observed at significant frequency in large population cohorts (gnomAD); Has not been previously published as pathogenic or benign to our knowledge

NM_003458.4(BSN):c.2944dup (p.Thr982fs)

Gene: BSN (bassoon presynaptic cytomatrix protein; plus strand). Cytogenetic location: 3p21.31.
Variant type: Duplication.
Coding change: c.2944dup on transcript NM_003458.4 (MANE Select); coding-DNA position 2944, one base duplicated (A; older notation c.2944dupA).
Protein change: p.Thr982fs; shifts the reading frame from threonine 982.
Molecular consequence: frameshift variant.
Genome position (GRCh38, 1-based): chr3:49,652,500, A duplicated. VCF-style (leftmost placement, unchanged base first): chr3-49652499-T-TA. GRCh37 (hg19) VCF-style: chr3-49689932-T-TA.
Other names: short protein forms T982fs.
Identifiers: ClinVar variation 4686809 (VCV004686809.2).
Genomic context (GRCh38, chr3:49,652,499, plus strand): 5'-GCTGGAGATGGAGAGCCTAACGGGCTCCCCTGAGGACCGCTCCCGTGGTGAGCACTCCTC[T>TA]ACATTGCCTGCCTCCACACCCAGCTACACCTCGGGCACCTCTCCCACCTCTCTGTCCTCC-3'